The following is an entry in ClinVar:

NM_032520.5(GNPTG):c.212G>A (p.Cys71Tyr)

Gene: GNPTG (N-acetylglucosamine-1-phosphate transferase subunit gamma; plus strand). Cytogenetic location: 16p13.3.
Variant type: single nucleotide variant.
Coding change: c.212G>A on transcript NM_032520.5 (MANE Select); coding-DNA position 212, G replaced by A.
Protein change: p.Cys71Tyr; replaces cysteine 71 with tyrosine.
Molecular consequence: missense variant.
Genome position (GRCh38, 1-based): chr16:1,361,776, G>A. VCF-style: chr16-1361776-G-A. GRCh37 (hg19) VCF-style: chr16-1411777-G-A.
Other names: short protein forms C71Y.
Identifiers: ClinVar variation 4293267 (VCV004293267.1).

ClinVar aggregate classification (germline): Uncertain significance (1 of 4 stars; one submission).

Conditions:
GNPTG-mucolipidosis. Also called: ML III GAMMA; ML IIIC; MUCOLIPIDOSIS III, COMPLEMENTATION GROUP C; MUCOLIPIDOSIS III, IRANIAN VARIANT FORM; MUCOLIPIDOSIS III, VARIANT FORM; Mucolipidosis type III gamma. Identifiers: Orphanet 423470, Orphanet 577, MedGen C1854896, MONDO:0009652, OMIM 252605.

Submission:

3billion
Classification: Uncertain significance for GNPTG-mucolipidosis. Last evaluated: 2024-09-25. Review status: criteria provided, single submitter. Criteria: ACMG Guidelines, 2015. Collection method: clinical testing. Allele origin: germline. Affected: yes.
Comment: The variant is not observed in the gnomAD v4.0.0 dataset. Predicted Consequence/Location: Missense variant. The majority of the known disease-causing variants of this gene are variants expected to result in premature termination of the protein. In silico tool predictions suggest damaging effect of the variant on gene or gene product [REVEL: 0.75 (>=0.6, sensitivity 0.68 and specificity 0.92)]. Therefore, this variant is classified as VUS according to the recommendation of ACMG/AMP guideline.